The following is an entry in ClinVar:

ClinVar aggregate classification (germline): Benign (1 of 4 stars; one submission).

Conditions:
Immunodeficiency 51 (IMD51). Also called: CANDIDIASIS, FAMILIAL, 5. Identifiers: Orphanet 1334, MedGen C4310803, MONDO:0013500, OMIM 613953.

Allele frequency attached by ClinVar (database versions not stated): 1000 Genomes Project 0.01897; 1000 Genomes Project 30x 0.01983; gnomAD 0.02212 and 0.02397; TOPMed 0.02511.

Submission:

Illumina Laboratory Services, Illumina
Classification: Benign for Immunodeficiency 51. Last evaluated: 2018-01-13. Review status: criteria provided, single submitter. Criteria: ICSL Variant Classification Criteria 13 December 2019. Collection method: clinical testing. Allele origin: germline.
Comment: This variant was observed in the ICSL laboratory as part of a predisposition screen in an ostensibly healthy population. It had not been previously curated by ICSL or reported in the Human Gene Mutation Database (HGMD: prior to June 1st, 2018), and was therefore a candidate for classification through an automated scoring system. Utilizing variant allele frequency, disease prevalence and penetrance estimates, and inheritance mode, an automated score was calculated to assess if this variant is too frequent to cause the disease. Based on the score and internal cut-off values, a variant classified as benign is not then subjected to further curation. The score for this variant resulted in a classification of benign for this disease.

NM_014339.7(IL17RA):c.*3060A>G

Gene: IL17RA (interleukin 17 receptor A; plus strand). Cytogenetic location: 22q11.1.
Variant type: single nucleotide variant.
Coding change: c.*3060A>G on transcript NM_014339.7 (MANE Select); 3060 bases downstream of the stop codon, A replaced by G.
Molecular consequence: 3 prime UTR variant.
Genome position (GRCh38, 1-based): chr22:17,112,880, A>G. VCF-style: chr22-17112880-A-G. GRCh37 (hg19) VCF-style: chr22-17593770-A-G.
Other names: c.*3060A>G (NM_001289905.2).
Identifiers: ClinVar variation 340671 (VCV000340671.5), dbSNP rs12157837, ClinGen allele CA10650814.
Genomic context (GRCh38, chr22:17,112,880, plus strand): 5'-ACCTCTTCAGCTCGTCTCCTGAGTGTGCAGAGGTGGTTCCGGTTGGGAAAGAAGCAGCGG[A>G]GCATCTAACCATGCCTGTGTCCAGGCCGATTATGCACGCAGCCACCAACAAGCTCCCAAC-3'